The following is an entry in ClinVar:

ClinVar aggregate classification (germline): Uncertain significance (1 of 4 stars; one submission).

Conditions:
Left ventricular noncompaction 1 (LVNC1). Also called: LEFT VENTRICULAR NONCOMPACTION 1 WITH OR WITHOUT CONGENITAL HEART DEFECTS. Identifiers: Orphanet 54260, MedGen C1858725, MONDO:0011403, OMIM 604169.

Submission:

Labcorp Genetics (formerly Invitae), Labcorp
Classification: Uncertain significance for Left ventricular noncompaction 1. Last evaluated: 2024-10-28. Review status: criteria provided, single submitter. Criteria: Invitae Variant Classification Sherloc (09022015). Collection method: clinical testing. Allele origin: germline.
Comment: This sequence change replaces serine, which is neutral and polar, with leucine, which is neutral and non-polar, at codon 421 of the DTNA protein (p.Ser421Leu). This variant is not present in population databases (gnomAD no frequency). This variant has not been reported in the literature in individuals affected with DTNA-related conditions. An algorithm developed to predict the effect of missense changes on protein structure and function (PolyPhen-2) suggests that this variant is likely to be tolerated. In summary, the available evidence is currently insufficient to determine the role of this variant in disease. Therefore, it has been classified as a Variant of Uncertain Significance.

NM_001386795.1(DTNA):c.1343C>T (p.Ser448Leu)

Gene: DTNA (dystrobrevin alpha; plus strand). Cytogenetic location: 18q12.1.
Variant type: single nucleotide variant.
Coding change: c.1343C>T on transcript NM_001386795.1 (MANE Select); coding-DNA position 1343, C replaced by T.
Protein change: p.Ser448Leu; replaces serine 448 with leucine.
Molecular consequence: missense variant. On other transcripts: intron variant (33).
Genome position (GRCh38, 1-based): chr18:34,838,834, C>T. VCF-style: chr18-34838834-C-T. GRCh37 (hg19) VCF-style: chr18-32418798-C-T.
Other names: c.389C>T, p.Ser130Leu (NM_001198942.1); c.1343C>T, p.Ser448Leu (NM_001386788.1); c.1262C>T, p.Ser421Leu (NM_001390.5, NM_001391.5); c.1253C>T, p.Ser418Leu (NM_032978.7); c.1095-9462C>T (NM_032975.4, NM_001386761.1, NM_001386762.1 and 1 more transcripts); c.1175+9345C>T (NM_001386754.1, NM_001386755.1, NM_001386760.1 and 5 more transcripts); c.1086-9462C>T (NM_001386763.1, NM_001386764.1, NM_001386768.1 and 13 more transcripts); c.604-12997C>T (NM_001198945.2); and 4 more; short protein forms S130L, S421L, S448L, S418L.
Identifiers: ClinVar variation 2865152 (VCV002865152.3), dbSNP rs2096209809, ClinGen allele CA402172397.